The following is an entry in ClinVar:

NM_000535.7(PMS2):c.1100T>C (p.Val367Ala)

Gene: PMS2 (PMS1 homolog 2, mismatch repair system component; minus strand). Cytogenetic location: 7p22.1.
Variant type: single nucleotide variant.
Coding change: c.1100T>C on transcript NM_000535.7 (MANE Select); coding-DNA position 1100, T replaced by C.
Protein change: p.Val367Ala; replaces valine 367 with alanine.
Molecular consequence: missense variant. On other transcripts: non-coding transcript variant (1), intron variant (10).
Genome position (GRCh38, 1-based): chr7:5,989,844, A>G on the plus strand (T>C on the coding strand, the complement: PMS2 is on the minus strand). VCF-style: chr7-5989844-A-G. GRCh37 (hg19) VCF-style: chr7-6029475-A-G.
Other names: c.695T>C, p.Val232Ala (NM_001018040.1, NM_001322003.2, NM_001322004.2 and 17 more transcripts); c.782T>C, p.Val261Ala (NM_001322007.2, NM_001322008.2, NM_001406876.1 and 2 more transcripts); c.167T>C, p.Val56Ala (NM_001322011.2, NM_001322012.2); c.527T>C, p.Val176Ala (NM_001322013.2, NM_001406909.1); c.1100T>C, p.Val367Ala (NM_001322014.2, NM_001406871.1, NM_001406872.1); c.791T>C, p.Val264Ala (NM_001322015.2, NM_001406875.1, NM_001406877.1 and 5 more transcripts); c.1286T>C, p.Val429Ala (NM_001406866.1); c.1124T>C, p.Val375Ala (NM_001406868.1); and 13 more; short protein forms V110A, V176A, V196A, V232A, V245A, V255A, V261A, V264A.
Identifiers: ClinVar variation 3072453 (VCV003072453.2), dbSNP rs2128747521, ClinGen allele CA366742807.
Genomic context (GRCh38, chr7:5,989,844, plus strand): 5'-ACTGTATTTTTCTTACCTTCAACATCCAGCAGTGGCTGCTGACTGACATTTAGCTTGTTG[A>G]CATCACTATCAAACATTCCTATCAAAGAGGTCTTTAAAACTGCCAACAAAAGCTTTTCCT-3'
Protein context (NP_000526.2, residues 357-377): TSLIGMFDSD[Val367Ala]NKLNVSQQPL

ClinVar aggregate classification (germline): Uncertain significance. Review status: criteria provided, multiple submitters, no conflicts (2 of 4 stars). 2 submissions from 2 submitters: Uncertain significance (2). Last evaluated 2025-01-14.

Conditions:
Lynch syndrome. Identifiers: Orphanet 144, MedGen C4552100, MONDO:0005835. Disease mechanism: loss of function.
Hereditary cancer-predisposing syndrome. Also called: Hereditary neoplastic syndrome; Hereditary Cancer Syndrome; Neoplastic Syndromes, Hereditary; Tumor predisposition. Identifiers: Orphanet 140162, MedGen C0027672, MeSH D009386, MONDO:0015356.

Submissions (2):

Ambry Genetics
Classification: Uncertain significance for Hereditary cancer-predisposing syndrome. Last evaluated: 2025-01-14. Review status: criteria provided, single submitter. Criteria: Ambry Variant Classification Scheme 2023. Collection method: clinical testing. Allele origin: germline.
Comment: The p.V367A variant (also known as c.1100T>C), located in coding exon 10 of the PMS2 gene, results from a T to C substitution at nucleotide position 1100. The valine at codon 367 is replaced by alanine, an amino acid with similar properties. This amino acid position is conserved. In addition, this alteration is predicted to be tolerated by in silico analysis. Based on the available evidence, the clinical significance of this variant remains unclear.

All of Us Research Program, National Institutes of Health
Classification: Uncertain significance for Lynch syndrome. Last evaluated: 2023-07-19. Review status: criteria provided, single submitter. Criteria: ACMG Guidelines, 2015. Collection method: clinical testing. Allele origin: germline. Inheritance: Autosomal dominant inheritance. Observed: 1 variant allele, 1 heterozygote.
Comment: This missense variant replaces valine with alanine at codon 367 of the PMS2 protein. Computational prediction suggests that this variant may not impact protein structure and function (internally defined REVEL score threshold <= 0.5, PMID: 27666373). To our knowledge, functional studies have not been reported for this variant. This variant has not been reported in individuals affected with PMS2-related disorders in the literature. This variant has not been identified in the general population by the Genome Aggregation Database (gnomAD). The available evidence is insufficient to determine the role of this variant in disease conclusively. Therefore, this variant is classified as a Variant of Uncertain Significance.

This study involves interpretation of variants in research participants for the purpose of population health screening. Participant phenotype was not available at the time of variant classification. Additional details can be found in publication PMID: 35346344, PMCID: PMC8962531